The following is an entry in ClinVar:

ClinVar aggregate classification (germline): Conflicting classifications of pathogenicity. Review status: no assertion criteria provided (0 of 4 stars). 2 submissions from 2 submitters: Uncertain significance (1); Likely benign (1). Last evaluated 2023-03-21.

Conditions:
Polycystic kidney disease. Also called: Polycystic kidney dysplasia; Kidney, Polycystic. Identifiers: MedGen C0022680, MeSH D007690, MONDO:0020642, HP:0000113.
PKD1-related disorder. Also called: PKD1-related condition.

Submissions (2):

PreventionGenetics, part of Exact Sciences
Classification: Likely benign for PKD1-related condition. Last evaluated: 2023-03-21. Review status: no assertion criteria provided. Collection method: clinical testing. Allele origin: germline.
Comment: This variant is classified as likely benign based on ACMG/AMP sequence variant interpretation guidelines (Richards et al. 2015 PMID: 25741868, with internal and published modifications).

Department of Pathology and Laboratory Medicine, Sinai Health System
Classification: Uncertain significance for Polycystic Kidney disease. Review status: no assertion criteria provided. Collection method: clinical testing. Allele origin: unknown. Affected: yes. Study: The Canadian Open Genetics Repository (COGR).
Comment: The PKD1 p.Ser2728= variant was not identified in the literature nor was it identified in the dbSNP, ClinVar, LOVD 3.0, ADPKD Mutation Database or PKD1-LOVD databases. The variant was not identified in the following control databases: the 1000 Genomes Project, the NHLBI GO Exome Sequencing Project, the Exome Aggregation Consortium (August 8th 2016), or the Genome Aggregation Database (Feb 27, 2017). The p.Ser2728= variant is not expected to have clinical significance because it does not result in a change of amino acid and is not located in a known consensus splice site. The variant occurs outside of the splicing consensus sequence and 1 of 5 in silico or computational prediction software programs (SpliceSiteFinder, MaxEntScan, NNSPLICE, GeneSplicer) predict a greater than 10% difference in splicing; this is not very predictive of pathogenicity. In summary, based on the above information the clinical significance of this variant cannot be determined with certainty at this time. This variant is classified as a variant of uncertain significance.

NM_001009944.3(PKD1):c.8184C>T (p.Ser2728=)

Gene: PKD1 (polycystin 1, transient receptor potential channel interacting; minus strand). Cytogenetic location: 16p13.3.
Variant type: single nucleotide variant.
Coding change: c.8184C>T on transcript NM_001009944.3 (MANE Select); coding-DNA position 8184, C replaced by T.
Protein change: p.Ser2728=; no amino-acid change (serine 2728 retained).
Molecular consequence: synonymous variant.
Genome position (GRCh38, 1-based): chr16:2,103,873, G>A on the plus strand (C>T on the coding strand, the complement: PKD1 is on the minus strand). VCF-style: chr16-2103873-G-A. GRCh37 (hg19) VCF-style: chr16-2153874-G-A.
Other names: c.8184C>T (NM_001009944.2); c.8184C>T, p.Ser2728= (NM_000296.4).
Identifiers: ClinVar variation 997360 (VCV000997360.3), dbSNP rs772197330, ClinGen allele CA493046336.
Genomic context (GRCh38, chr16:2,103,873, plus strand): 5'-CACCATCCGAGATGGTGACTCGGCTCCCAGCTCTGAGGGCTGTGGTGCCCGCACGTCCGA[G>A]CTGGCCAGGTGGATGAGGTCTCCTGCAGACATGCGTGAGGTCAGTGCAGAGACAGGGAGG-3'
Protein context (NP_001009944.3, residues 2718-2738): NITGDLIHLA[Ser2728=]SDVRAPQPSE